The following is an entry in ClinVar:

NM_182961.4(SYNE1):c.15364A>G (p.Lys5122Glu)

Gene: SYNE1 (spectrin repeat containing nuclear envelope protein 1; minus strand). Cytogenetic location: 6q25.2.
Variant type: single nucleotide variant.
Coding change: c.15364A>G on transcript NM_182961.4 (MANE Select); coding-DNA position 15364, A replaced by G.
Protein change: p.Lys5122Glu; replaces lysine 5122 with glutamic acid.
Molecular consequence: missense variant.
Genome position (GRCh38, 1-based): chr6:152,326,032, T>C on the plus strand (A>G on the coding strand, the complement: SYNE1 is on the minus strand). VCF-style: chr6-152326032-T-C. GRCh37 (hg19) VCF-style: chr6-152647167-T-C.
Other names: c.15151A>G, p.Lys5051Glu (NM_033071.5); short protein forms K5051E, K5122E.
Identifiers: ClinVar variation 852052 (VCV000852052.11), dbSNP rs1309063617, ClinGen allele CA366092771.

ClinVar aggregate classification (germline): Uncertain significance (1 of 4 stars; one submission).

Conditions:
Emery-Dreifuss muscular dystrophy 4, autosomal dominant (EDMD4). Also called: EMERY-DREIFUSS MUSCULAR DYSTROPHY 4 WITH VARIABLE FEATURES. Identifiers: Orphanet 261, MedGen C2751807, MONDO:0013071, OMIM 612998.
Autosomal recessive ataxia, Beauce type. Also called: ATAXIA, RECESSIVE, OF BEAUCE; SYNE1 Deficiency; Spinocerebellar ataxia, autosomal recessive 8; SYNE1-Related Autosomal Recessive Cerebellar Ataxia. Identifiers: Orphanet 88644, MedGen C1853116, MONDO:0012549, OMIM 610743.

Allele frequency attached by ClinVar (database versions not stated): gnomAD exomes below 0.00001.
gnomAD v4.1: 5 of 1,614,226 alleles (0.00031%); highest among the groups gnomAD compares: South Asian, 0.0011%; no homozygotes.

Submission:

Labcorp Genetics (formerly Invitae), Labcorp
Classification: Uncertain significance for Emery-Dreifuss muscular dystrophy 4, autosomal dominant; Autosomal recessive ataxia, Beauce type. Last evaluated: 2025-05-05. Review status: criteria provided, single submitter. Criteria: Invitae Variant Classification Sherloc (09022015). Collection method: clinical testing. Allele origin: germline.
Comment: This sequence change replaces lysine, which is basic and polar, with glutamic acid, which is acidic and polar, at codon 5051 of the SYNE1 protein (p.Lys5051Glu). This variant is present in population databases (no rsID available, gnomAD 0.003%). This variant has not been reported in the literature in individuals affected with SYNE1-related conditions. ClinVar contains an entry for this variant (Variation ID: 852052). An algorithm developed to predict the effect of missense changes on protein structure and function (PolyPhen-2) suggests that this variant is likely to be tolerated. In summary, the available evidence is currently insufficient to determine the role of this variant in disease. Therefore, it has been classified as a Variant of Uncertain Significance.